The following is an entry in ClinVar:

NM_182961.4(SYNE1):c.22043A>G (p.Gln7348Arg)

Gene: SYNE1 (spectrin repeat containing nuclear envelope protein 1; minus strand). Cytogenetic location: 6q25.2.
Variant type: single nucleotide variant.
Coding change: c.22043A>G on transcript NM_182961.4 (MANE Select); coding-DNA position 22043, A replaced by G.
Protein change: p.Gln7348Arg; replaces glutamine 7348 with arginine.
Molecular consequence: missense variant.
Genome position (GRCh38, 1-based): chr6:152,219,004, T>C on the plus strand (A>G on the coding strand, the complement: SYNE1 is on the minus strand). VCF-style: chr6-152219004-T-C. GRCh37 (hg19) VCF-style: chr6-152540139-T-C.
Other names: c.21830A>G, p.Gln7277Arg (NM_033071.5); short protein forms Q7277R, Q7348R.
Identifiers: ClinVar variation 1964807 (VCV001964807.4), dbSNP rs1466018376, ClinGen allele CA366102927.

ClinVar aggregate classification (germline): Uncertain significance. Review status: criteria provided, multiple submitters, no conflicts (2 of 4 stars). 2 submissions from 2 submitters: Uncertain significance (2). Last evaluated 2023-05-31.

Conditions:
Emery-Dreifuss muscular dystrophy 4, autosomal dominant (EDMD4). Also called: EMERY-DREIFUSS MUSCULAR DYSTROPHY 4 WITH VARIABLE FEATURES. Identifiers: Orphanet 261, MedGen C2751807, MONDO:0013071, OMIM 612998.
Autosomal recessive ataxia, Beauce type. Also called: SYNE1 Deficiency; Spinocerebellar ataxia, autosomal recessive 8; ATAXIA, RECESSIVE, OF BEAUCE; SYNE1-Related Autosomal Recessive Cerebellar Ataxia. Identifiers: Orphanet 88644, MedGen C1853116, MONDO:0012549, OMIM 610743.

Allele frequency attached by ClinVar (database versions not stated): gnomAD exomes below 0.00001.
gnomAD v4.1: 1 of 1,613,838 alleles (0.000062%); highest among the groups gnomAD compares: East Asian, 0.0022%; no homozygotes.

Submissions (2):

Revvity Omics, Revvity
Classification: Uncertain significance. Last evaluated: 2023-05-31. Review status: criteria provided, single submitter. Criteria: ACMG Guidelines, 2015. Collection method: clinical testing. Allele origin: germline.

Labcorp Genetics (formerly Invitae), Labcorp
Classification: Uncertain significance for Emery-Dreifuss muscular dystrophy 4, autosomal dominant; Autosomal recessive ataxia, Beauce type. Last evaluated: 2022-06-15. Review status: criteria provided, single submitter. Criteria: Invitae Variant Classification Sherloc (09022015). Collection method: clinical testing. Allele origin: germline.
Comment: This sequence change replaces glutamine, which is neutral and polar, with arginine, which is basic and polar, at codon 7277 of the SYNE1 protein (p.Gln7277Arg). This variant is present in population databases (no rsID available, gnomAD 0.006%). This variant has not been reported in the literature in individuals affected with SYNE1-related conditions. Algorithms developed to predict the effect of missense changes on protein structure and function (SIFT, PolyPhen-2, Align-GVGD) all suggest that this variant is likely to be disruptive. Algorithms developed to predict the effect of sequence changes on RNA splicing suggest that this variant may disrupt the consensus splice site. In summary, the available evidence is currently insufficient to determine the role of this variant in disease. Therefore, it has been classified as a Variant of Uncertain Significance.